The following is an entry in ClinVar:

NM_018163.3(DNAJC17):c.355C>T (p.Arg119Trp)

Gene: DNAJC17 (DnaJ heat shock protein family (Hsp40) member C17; minus strand). Cytogenetic location: 15q15.1.
Variant type: single nucleotide variant.
Coding change: c.355C>T on transcript NM_018163.3 (MANE Select); coding-DNA position 355, C replaced by T.
Protein change: p.Arg119Trp; replaces arginine 119 with tryptophan.
Molecular consequence: missense variant.
Genome position (GRCh38, 1-based): chr15:40,776,568, G>A on the plus strand (C>T on the coding strand, the complement: DNAJC17 is on the minus strand). VCF-style: chr15-40776568-G-A. GRCh37 (hg19) VCF-style: chr15-41068766-G-A.
Other names: c.355C>T (NM_018163.2); short protein forms R119W.
Identifiers: ClinVar variation 1353490 (VCV001353490.7), dbSNP rs751041536, ClinGen allele CA7485203.
Genomic context (GRCh38, chr15:40,776,568, plus strand): 5'-GGTGGCCTTCTGGCCAGTGTGCCTGAGTGCTCACCTCTTGCTCTAGTGTCCTGGTGCTCC[G>A]GCTCTCCTCTTCCTCCTCACTCTCCTGGGCCTGGGCCTGCCGCTCCCGGGCCTCCAGGTC-3'
Protein context (NP_060633.1, residues 109-129): AQESEEEEES[Arg119Trp]STRTLEQEIE

ClinVar aggregate classification (germline): Uncertain significance. Review status: criteria provided, multiple submitters, no conflicts (2 of 4 stars). 2 submissions from 2 submitters: Uncertain significance (2). Last evaluated 2025-04-25.

Allele frequency attached by ClinVar (database versions not stated): gnomAD 0.00002; TOPMed 0.00002; ExAC 0.00006; gnomAD exomes 0.00006.
gnomAD v4.1: 94 of 1,613,870 alleles (0.0058%); highest among the groups gnomAD compares: Middle Eastern, 0.016%; no homozygotes.

Submissions (2):

Ambry Genetics
Classification: Uncertain significance. Last evaluated: 2025-04-25. Review status: criteria provided, single submitter. Criteria: Ambry Variant Classification Scheme 2023. Collection method: clinical testing. Allele origin: germline.

Labcorp Genetics (formerly Invitae), Labcorp
Classification: Uncertain significance. Last evaluated: 2024-12-02. Review status: criteria provided, single submitter. Criteria: Invitae Variant Classification Sherloc (09022015). Collection method: clinical testing. Allele origin: germline.
Comment: This sequence change replaces arginine, which is basic and polar, with tryptophan, which is neutral and slightly polar, at codon 119 of the DNAJC17 protein (p.Arg119Trp). This variant is present in population databases (rs751041536, gnomAD 0.009%). This variant has not been reported in the literature in individuals affected with DNAJC17-related conditions. ClinVar contains an entry for this variant (Variation ID: 1353490). An algorithm developed to predict the effect of missense changes on protein structure and function (PolyPhen-2) suggests that this variant is likely to be tolerated. In summary, the available evidence is currently insufficient to determine the role of this variant in disease. Therefore, it has been classified as a Variant of Uncertain Significance.